The following is an entry in ClinVar:

NM_020207.7(ERCC6L2):c.1310A>G (p.His437Arg)

Gene: ERCC6L2 (ERCC excision repair 6 like 2; plus strand). Cytogenetic location: 9q22.32.
Variant type: single nucleotide variant.
Coding change: c.1310A>G on transcript NM_020207.7 (MANE Select); coding-DNA position 1310, A replaced by G.
Protein change: p.His437Arg; replaces histidine 437 with arginine.
Molecular consequence: missense variant. On other transcripts: non-coding transcript variant (1).
Genome position (GRCh38, 1-based): chr9:95,922,315, A>G. VCF-style: chr9-95922315-A-G. GRCh37 (hg19) VCF-style: chr9-98684597-A-G.
Other names: c.1310A>G, p.His437Arg (NM_001010895.4, NM_001375291.1, NM_001375292.1 and 2 more transcripts); short protein forms H437R.
Identifiers: ClinVar variation 4618752 (VCV004618752.1).

ClinVar aggregate classification (germline): Uncertain significance (1 of 4 stars; one submission).

Conditions:
Inborn genetic diseases. Identifiers: MedGen C0950123, MeSH D030342.

gnomAD v4.1: 1 of 1,605,230 alleles (0.000062%); highest among the groups gnomAD compares: Non-Finnish European, 0.000085%; no homozygotes.

Submission:

Ambry Genetics
Classification: Uncertain significance for Inborn genetic diseases. Last evaluated: 2025-11-04. Review status: criteria provided, single submitter. Criteria: Ambry Variant Classification Scheme 2023. Collection method: clinical testing. Allele origin: germline.
Comment: The p.H437R variant (also known as c.1310A>G), located in coding exon 8 of the ERCC6L2 gene, results from an A to G substitution at nucleotide position 1310. The histidine at codon 437 is replaced by arginine, an amino acid with highly similar properties. This amino acid position is conserved. In addition, this alteration is predicted to be tolerated by in silico analysis. Based on the available evidence, the clinical significance of this variant remains unclear.